The following is an entry in ClinVar:

NM_058195.4(CDKN2A):c.193+6A>T

Gene: CDKN2A (cyclin dependent kinase inhibitor 2A; minus strand). Cytogenetic location: 9p21.3.
Variant type: single nucleotide variant.
Coding change: c.193+6A>T on transcript NM_058195.4 (MANE Plus Clinical); 6 bases into the intron after coding-DNA position 193, A replaced by T.
Molecular consequence: intron variant.
Genome position (GRCh38, 1-based): chr9:21,994,133, T>A on the plus strand (A>T on the coding strand, the complement: CDKN2A is on the minus strand). VCF-style: chr9-21994133-T-A. GRCh37 (hg19) VCF-style: chr9-21994132-T-A.
Other names: c.-4+688A>T (NM_001363763.2).
Identifiers: ClinVar variation 1060114 (VCV001060114.4), dbSNP rs2131147918, ClinGen allele CA2499219817.

ClinVar aggregate classification (germline): Uncertain significance. Review status: criteria provided, multiple submitters, no conflicts (2 of 4 stars). 2 submissions from 2 submitters: Uncertain significance (2). Last evaluated 2023-03-01.

Conditions:
Melanoma, cutaneous malignant, susceptibility to, 2 (CMM2). Also called: Cutaneous malignant melanoma 2; CDKN2A-Related Cutaneous Malignant Melanoma. Identifiers: Orphanet 618, MedGen C1835044, MONDO:0007964, OMIM 155601.
Melanoma and neural system tumor syndrome. Also called: MELANOMA-ASTROCYTOMA SYNDROME. Identifiers: Orphanet 252206, MedGen C1835042, MONDO:0007967, OMIM 155755.
Melanoma-pancreatic cancer syndrome. Identifiers: Orphanet 404560, MedGen C1838547, MONDO:0011713, OMIM 606719. Disease mechanism: loss of function.
Familial melanoma. Also called: Hereditary melanoma; Hereditary cutaneous melanoma. Identifiers: Orphanet 618, MedGen C1512419, MONDO:0018961.

Allele frequency attached by ClinVar (database versions not stated): gnomAD exomes below 0.00001.
gnomAD v4.1: 4 of 1,600,446 alleles (0.00025%); highest among the groups gnomAD compares: Non-Finnish European, 0.00034%; no homozygotes.

Submissions (2):

Department of Pathology and Laboratory Medicine, Sinai Health System
Classification: Uncertain significance for Melanoma, cutaneous malignant, susceptibility to, 2; Melanoma and neural system tumor syndrome; Melanoma-pancreatic cancer syndrome. Last evaluated: 2023-03-01. Review status: criteria provided, single submitter. Criteria: ACMG Guidelines, 2015. Collection method: research. Allele origin: germline.

Labcorp Genetics (formerly Invitae), Labcorp
Classification: Uncertain significance for Familial melanoma. Last evaluated: 2021-08-26. Review status: criteria provided, single submitter. Criteria: Invitae Variant Classification Sherloc (09022015). Collection method: clinical testing. Allele origin: germline.
Comment: This sequence change falls in intron 1 of the CDKN2A (p14ARF) gene. It does not directly change the encoded amino acid sequence of the CDKN2A (p14ARF) protein. It affects a nucleotide within the consensus splice site of the intron. This variant is not present in population databases (ExAC no frequency). This variant has not been reported in the literature in individuals affected with CDKN2A (p14ARF)-related conditions. Variants that disrupt the consensus splice site are a relatively common cause of aberrant splicing (PMID: 17576681, 9536098). Algorithms developed to predict the effect of sequence changes on RNA splicing suggest that this variant may create or strengthen a splice site. In summary, the available evidence is currently insufficient to determine the role of this variant in disease. Therefore, it has been classified as a Variant of Uncertain Significance.

Literature cited by the submitters: PubMed 17576681 (cited by Labcorp Genetics (formerly Invitae), Labcorp); PubMed 9536098 (cited by Labcorp Genetics (formerly Invitae), Labcorp).